The following is an entry in ClinVar:

NM_000310.4(PPT1):c.198C>T (p.Tyr66=)

Gene: PPT1 (palmitoyl-protein thioesterase 1; minus strand). Cytogenetic location: 1p34.2.
Variant type: single nucleotide variant.
Coding change: c.198C>T on transcript NM_000310.4 (MANE Select); coding-DNA position 198, C replaced by T.
Protein change: p.Tyr66=; no amino-acid change (tyrosine 66 retained).
Molecular consequence: synonymous variant. On other transcripts: intron variant (1).
Genome position (GRCh38, 1-based): chr1:40,092,434, G>A on the plus strand (C>T on the coding strand, the complement: PPT1 is on the minus strand). VCF-style: chr1-40092434-G-A. GRCh37 (hg19) VCF-style: chr1-40558106-G-A.
Other names: c.198C>T, p.Tyr66= (NM_001363695.2); c.125-2922C>T (NM_001142604.2).
Identifiers: ClinVar variation 382693 (VCV000382693.33), dbSNP rs200035288, ClinGen allele CA789784.
Genomic context (GRCh38, chr1:40,092,434, plus strand): 5'-AGGAACAGCTGTGAAGCGCCTTACCTCCATCAGGGTCTTCCCAATCTCTAAAGATAAGAC[G>A]TAAATTCCAGGTATTTTCTTCTCCACCATTTTTTTAATAGCACCCATGCTTAAGGGATTG-3'
Protein context (NP_000301.1, residues 56-76): KMVEKKIPGI[Tyr66=]VLSLEIGKTL

ClinVar aggregate classification (germline): Likely benign. Review status: criteria provided, multiple submitters, no conflicts (2 of 4 stars). 3 submissions from 3 submitters: Likely benign (3). Last evaluated 2026-01-24.

Conditions:
Neuronal ceroid lipofuscinosis 1 (CLN1). Also called: PPT1-Related Neuronal Ceroid-Lipofuscinosis; CEROID LIPOFUSCINOSIS, NEURONAL, 1, VARIABLE AGE AT ONSET. Identifiers: Orphanet 228329, MedGen C1850451, MONDO:0009744, OMIM 256730.

Allele frequency attached by ClinVar (database versions not stated): gnomAD exomes below 0.00001 and 0.00001; ExAC 0.00001; gnomAD 0.00004 and 0.00005; TOPMed 0.00004; 1000 Genomes Project 30x 0.00016; 1000 Genomes Project 0.00020.

Submissions (3):

Labcorp Genetics (formerly Invitae), Labcorp
Classification: Likely benign for Neuronal ceroid lipofuscinosis 1. Last evaluated: 2026-01-24. Review status: criteria provided, single submitter. Criteria: Invitae Variant Classification Sherloc (09022015). Collection method: clinical testing. Allele origin: germline.

CeGaT Center for Human Genetics Tuebingen
Classification: Likely benign. Last evaluated: 2022-12-01. Review status: criteria provided, single submitter. Criteria: CeGaT Center For Human Genetics Tuebingen Variant Classification Criteria Version 2. Collection method: clinical testing. Allele origin: germline. Affected: yes. Observed: 1 variant allele.
Comment: PPT1: BP4, BP7

GeneDx
Classification: Likely benign. Last evaluated: 2016-01-13. Review status: criteria provided, single submitter. Criteria: GeneDx Variant Classification (06012015). Collection method: clinical testing. Allele origin: germline. Affected: yes.
Comment: This variant is considered likely benign or benign based on one or more of the following criteria: it is a conservative change, it occurs at a poorly conserved position in the protein, it is predicted to be benign by multiple in silico algorithms, and/or has population frequency not consistent with disease.